The following is an entry in ClinVar:

ClinVar aggregate classification (germline): Uncertain significance. Review status: criteria provided, multiple submitters, no conflicts (2 of 4 stars). 3 submissions from 3 submitters: Uncertain significance (3). Last evaluated 2025-10-13.

Conditions:
Inborn genetic diseases. Identifiers: MedGen C0950123, MeSH D030342.
Acute myeloid leukemia (AML). Also called: Acute myeloid leukemia, adult; AML adult; Acute non-lymphocytic leukemia; Acute granulocytic leukemia; Leukemia, acute myeloid, somatic; Leukemia, acute myelogenous, somatic. Identifiers: Orphanet 519, MedGen C0023467, MeSH D015470, MONDO:0018874, OMIM 601626, HP:0004808. Disease mechanism: Constitutively activated FLT3.

Submissions (3):

Labcorp Genetics (formerly Invitae), Labcorp
Classification: Uncertain significance for Acute myeloid leukemia. Last evaluated: 2025-10-13. Review status: criteria provided, single submitter. Criteria: Invitae Variant Classification Sherloc (09022015). Collection method: clinical testing. Allele origin: germline.
Comment: This sequence change replaces leucine, which is neutral and non-polar, with proline, which is neutral and non-polar, at codon 173 of the CEBPA protein (p.Leu173Pro). This variant is not present in population databases (gnomAD no frequency). This variant has not been reported in the literature in individuals affected with CEBPA-related conditions. ClinVar contains an entry for this variant (Variation ID: 2082472). Invitae Evidence Modeling of protein sequence and biophysical properties (such as structural, functional, and spatial information, amino acid conservation, physicochemical variation, residue mobility, and thermodynamic stability) indicates that this missense variant is not expected to disrupt CEBPA protein function with a negative predictive value of 80%. In summary, the available evidence is currently insufficient to determine the role of this variant in disease. Therefore, it has been classified as a Variant of Uncertain Significance.

Ambry Genetics
Classification: Uncertain significance for Inborn genetic diseases. Last evaluated: 2024-12-07. Review status: criteria provided, single submitter. Criteria: Ambry Variant Classification Scheme 2023. Collection method: clinical testing. Allele origin: germline.
Comment: The p.L173P variant (also known as c.518T>C), located in coding exon 1 of the CEBPA gene, results from a T to C substitution at nucleotide position 518. The leucine at codon 173 is replaced by proline, an amino acid with similar properties. This amino acid position is conserved. In addition, this alteration is predicted to be tolerated by in silico analysis. Based on the available evidence, the clinical significance of this variant remains unclear.

GeneDx
Classification: Uncertain significance. Last evaluated: 2022-09-22. Review status: criteria provided, single submitter. Criteria: GeneDx Variant Classification Process June 2021. Collection method: clinical testing. Allele origin: germline. Affected: yes.
Comment: Not observed at significant frequency in large population cohorts (gnomAD); In silico analysis supports that this missense variant does not alter protein structure/function; Has not been previously published as pathogenic or benign to our knowledge; This variant is associated with the following publications: (PMID: 21455213)

NM_004364.5(CEBPA):c.518T>C (p.Leu173Pro)

Gene: CEBPA (CCAAT enhancer binding protein alpha; minus strand). Cytogenetic location: 19q13.11.
Variant type: single nucleotide variant.
Coding change: c.518T>C on transcript NM_004364.5 (MANE Select); coding-DNA position 518, T replaced by C.
Protein change: p.Leu173Pro; replaces leucine 173 with proline.
Molecular consequence: missense variant.
Genome position (GRCh38, 1-based): chr19:33,301,897, A>G on the plus strand (T>C on the coding strand, the complement: CEBPA is on the minus strand). VCF-style: chr19-33301897-A-G. GRCh37 (hg19) VCF-style: chr19-33792803-A-G.
Other names: c.161T>C, p.Leu54Pro (NM_001285829.2); c.623T>C, p.Leu208Pro (NM_001287424.2); c.476T>C, p.Leu159Pro (NM_001287435.2); short protein forms L208P, L159P, L173P, L54P.
Identifiers: ClinVar variation 2082472 (VCV002082472.6), dbSNP rs1488417025, ClinGen allele CA405274776.